The following is an entry in ClinVar:

NM_000186.4(CFH):c.1437A>G (p.Leu479=)

Gene: CFH (complement factor H; plus strand). Cytogenetic location: 1q31.3.
Variant type: single nucleotide variant.
Coding change: c.1437A>G on transcript NM_000186.4 (MANE Select); coding-DNA position 1437, A replaced by G.
Protein change: p.Leu479=; no amino-acid change (leucine 479 retained).
Molecular consequence: synonymous variant.
Genome position (GRCh38, 1-based): chr1:196,713,835, A>G. VCF-style: chr1-196713835-A-G. GRCh37 (hg19) VCF-style: chr1-196682965-A-G.
Other names: c.1437A>G (NM_000186.3).
Identifiers: ClinVar variation 1671129 (VCV001671129.11), dbSNP rs766564341, ClinGen allele CA1305394.

ClinVar aggregate classification (germline): Likely benign. Review status: criteria provided, multiple submitters, no conflicts (2 of 4 stars). 3 submissions from 3 submitters: Likely benign (2). 1 of the submissions does not count toward it. Last evaluated 2025-11-17.

Conditions:
CFH-related disorder. Also called: CFH-related disorders; CFH-related condition.

Allele frequency attached by ClinVar (database versions not stated): ExAC 0.00005; gnomAD exomes 0.00005 and 0.00009; gnomAD 0.00007; TOPMed 0.00008.
gnomAD v4.1: 137 of 1,612,556 alleles (0.0085%); highest among the groups gnomAD compares: Middle Eastern, 0.033%; no homozygotes.

Submissions (3):

Labcorp Genetics (formerly Invitae), Labcorp
Classification: Likely benign. Last evaluated: 2025-11-17. Review status: criteria provided, single submitter. Criteria: Invitae Variant Classification Sherloc (09022015). Collection method: clinical testing. Allele origin: germline.

Blueprint Genetics
Classification: Likely benign. Last evaluated: 2024-04-04. Review status: criteria provided, single submitter. Criteria: ACMG Guidelines, 2015. Collection method: clinical testing. Allele origin: germline.

PreventionGenetics, part of Exact Sciences
Classification: Likely benign for CFH-related condition. Last evaluated: 2019-09-10. Review status: no assertion criteria provided. Collection method: clinical testing. Allele origin: germline. Not counted in ClinVar's aggregate classification.
Comment: This variant is classified as likely benign based on ACMG/AMP sequence variant interpretation guidelines (Richards et al. 2015 PMID: 25741868, with internal and published modifications).